The following is an entry in ClinVar:

ClinVar aggregate classification (germline): Conflicting classifications of pathogenicity. Review status: criteria provided, conflicting classifications (1 of 4 stars). 5 submissions from 5 submitters: Uncertain significance (4); Likely benign (1). Last evaluated 2026-01-27.

Conditions:
Hereditary cancer-predisposing syndrome. Also called: Neoplastic Syndromes, Hereditary; Hereditary Cancer Syndrome; Tumor predisposition; Hereditary neoplastic syndrome. Identifiers: Orphanet 140162, MedGen C0027672, MeSH D009386, MONDO:0015356.
Familial adenomatous polyposis 4 (FAP4). Also called: MSH3-related attenuated familial adenomatous polyposis. Identifiers: Orphanet 480536, MedGen C4310719, MONDO:0044300, OMIM 617100.
Endometrial carcinoma. Also called: Endometrial carcinoma, somatic. Identifiers: MedGen C0476089, MONDO:0002447, OMIM 608089, HP:0012114.

Allele frequency attached by ClinVar (database versions not stated): gnomAD exomes 0.00001 and 0.00002; TOPMed 0.00003; gnomAD 0.00004.
gnomAD v4.1: 15 of 1,614,006 alleles (0.00093%); highest among the groups gnomAD compares: East Asian, 0.022%; no homozygotes.

Submissions (5):

Labcorp Genetics (formerly Invitae), Labcorp
Classification: Uncertain significance. Last evaluated: 2026-01-27. Review status: criteria provided, single submitter. Criteria: Invitae Variant Classification Sherloc (09022015). Collection method: clinical testing. Allele origin: germline.
Comment: This sequence change replaces proline, which is neutral and non-polar, with serine, which is neutral and polar, at codon 147 of the MSH3 protein (p.Pro147Ser). This variant is present in population databases (no rsID available, gnomAD 0.03%). This variant has not been reported in the literature in individuals affected with MSH3-related conditions. ClinVar contains an entry for this variant (Variation ID: 662540). An algorithm developed to predict the effect of missense changes on protein structure and function (PolyPhen-2) suggests that this variant is likely to be tolerated. In summary, the available evidence is currently insufficient to determine the role of this variant in disease. Therefore, it has been classified as a Variant of Uncertain Significance.

Ambry Genetics
Classification: Uncertain significance for Hereditary cancer-predisposing syndrome. Last evaluated: 2024-12-30. Review status: criteria provided, single submitter. Criteria: Ambry Variant Classification Scheme 2023. Collection method: clinical testing. Allele origin: germline.

Baylor Genetics
Classification: Uncertain significance for Endometrial carcinoma. Last evaluated: 2023-12-30. Review status: criteria provided, single submitter. Criteria: ACMG Guidelines, 2015. Collection method: clinical testing. Allele origin: unknown.

CeGaT Center for Human Genetics Tuebingen
Classification: Likely benign. Last evaluated: 2023-03-01. Review status: criteria provided, single submitter. Criteria: CeGaT Center For Human Genetics Tuebingen Variant Classification Criteria Version 2. Collection method: clinical testing. Allele origin: germline. Affected: yes. Observed: 1 variant allele.
Comment: MSH3: BP1, BP4

Department of Pathology and Laboratory Medicine, Sinai Health System
Classification: Uncertain significance for Familial adenomatous polyposis 4. Last evaluated: 2021-09-09. Review status: criteria provided, single submitter. Criteria: ACMG Guidelines, 2015. Collection method: clinical testing. Allele origin: germline. Affected: yes.

NM_002439.5(MSH3):c.439C>T (p.Pro147Ser)

Gene: MSH3 (mutS homolog 3; plus strand). Cytogenetic location: 5q14.1.
Variant type: single nucleotide variant.
Coding change: c.439C>T on transcript NM_002439.5 (MANE Select); coding-DNA position 439, C replaced by T.
Protein change: p.Pro147Ser; replaces proline 147 with serine.
Molecular consequence: missense variant.
Genome position (GRCh38, 1-based): chr5:80,665,223, C>T. VCF-style: chr5-80665223-C-T. GRCh37 (hg19) VCF-style: chr5-79961042-C-T.
Other names: short protein forms P147S.
Identifiers: ClinVar variation 662540 (VCV000662540.41), dbSNP rs977366961, ClinGen allele CA121290969.